The following is an entry in ClinVar:

NM_005555.4(KRT6B):c.101GCA[1] (p.Ser35del)

Gene: KRT6B (keratin 6B; minus strand). Cytogenetic location: 12q13.13.
Variant type: Microsatellite.
Coding change: c.101GCA[1] on transcript NM_005555.4 (MANE Select); one copy of the 3-base unit GCA starting at c.101; the reference has two copies in a row; one copy, 3 bases deleted.
Protein change: p.Ser35del; deletes serine 35.
Molecular consequence: inframe deletion.
Genome position (GRCh38, 1-based): chr12:52,451,973-52,451,975, TGC deleted on the plus strand (GCA on the coding strand, the reverse complement: KRT6B is on the minus strand); deleting any 3 consecutive bases within chr12:52,451,973-52,451,980 gives the same sequence; the position shown is the placement nearest the transcript's 3' end. VCF-style (leftmost placement, unchanged base first): chr12-52451972-ATGC-A. GRCh37 (hg19) VCF-style: chr12-52845756-ATGC-A.
Other names: short protein forms S35del.
Identifiers: ClinVar variation 5000191 (VCV005000191.1).
Genomic context (GRCh38, chr12:52,451,972, plus strand): 5'-AAGCCAGCTCCTCCACATGCGCCACCCAGGCCACCACTGCCCCTGGAGCGGGACACGGAG[ATGC>A]TGCTGAAGCCAGAGCGGCTGACCCCAGGGAGCCTGGCTGAGTTGGCACTGAAACCCCGGC-3'

ClinVar aggregate classification (germline): Uncertain significance (1 of 4 stars; one submission).

Conditions:
KRT6B-related disorder. Also called: KRT6B-related condition.

Submission:

PreventionGenetics, part of Exact Sciences
Classification: Uncertain significance for KRT6B-related condition. Last evaluated: 2025-06-23. Review status: criteria provided, single submitter. Criteria: ACMG Guidelines, 2015. Collection method: clinical testing. Allele origin: germline.
Comment: The KRT6B c.104_106delGCA variant is predicted to result in an in-frame deletion (p.Ser35del). To our knowledge, this variant has not been reported in the literature. This variant is reported in 0.0029% of alleles in individuals of Latino descent in gnomAD. At this time, the clinical significance of this variant is uncertain due to the absence of conclusive functional and genetic evidence.